The following is an entry in ClinVar:

ClinVar aggregate classification (germline): Uncertain significance (1 of 4 stars; one submission).

Conditions:
Hereditary cancer-predisposing syndrome. Also called: Tumor predisposition; Hereditary Cancer Syndrome; Hereditary neoplastic syndrome; Neoplastic Syndromes, Hereditary. Identifiers: Orphanet 140162, MedGen C0027672, MeSH D009386, MONDO:0015356.

Submission:

Ambry Genetics
Classification: Uncertain significance for Hereditary cancer-predisposing syndrome. Last evaluated: 2024-03-27. Review status: criteria provided, single submitter. Criteria: Ambry Variant Classification Scheme 2023. Collection method: clinical testing. Allele origin: germline.
Comment: The p.E539G variant (also known as c.1616A>G), located in coding exon 14 of the FANCC gene, results from an A to G substitution at nucleotide position 1616. The glutamic acid at codon 539 is replaced by glycine, an amino acid with similar properties. This amino acid position is conserved. In addition, this alteration is predicted to be tolerated by in silico analysis. Based on the available evidence, the clinical significance of this alteration remains unclear.

NM_000136.3(FANCC):c.1616A>G (p.Glu539Gly)

Genes: AOPEP (aminopeptidase O (putative); plus strand), FANCC (FA complementation group C; minus strand). Cytogenetic location: 9q22.32.
Variant type: single nucleotide variant.
Coding change: c.1616A>G on transcript NM_000136.3 (MANE Select); coding-DNA position 1616, A replaced by G.
Protein change: p.Glu539Gly; replaces glutamic acid 539 with glycine.
Molecular consequence: missense variant.
Genome position (GRCh38, 1-based): chr9:95,101,768, T>C on the plus strand (A>G on the coding strand, the complement: FANCC is on the minus strand). VCF-style: chr9-95101768-T-C. GRCh37 (hg19) VCF-style: chr9-97864050-T-C.
Other names: c.1616A>G, p.Glu539Gly (NM_001243743.2); short protein forms E539G.
Identifiers: ClinVar variation 3277628 (VCV003277628.1).